The following is an entry in ClinVar:

NM_015158.5(KANK1):c.2186C>A (p.Ser729Tyr)

Gene: KANK1 (KN motif and ankyrin repeat domains 1; plus strand). Cytogenetic location: 9p24.3.
Variant type: single nucleotide variant.
Coding change: c.2186C>A on transcript NM_015158.5 (MANE Select); coding-DNA position 2186, C replaced by A.
Protein change: p.Ser729Tyr; replaces serine 729 with tyrosine.
Molecular consequence: missense variant. On other transcripts: non-coding transcript variant (1).
Genome position (GRCh38, 1-based): chr9:712,952, C>A. VCF-style: chr9-712952-C-A. GRCh37 (hg19) VCF-style: chr9-712952-C-A.
Other names: c.2186C>A, p.Ser729Tyr (NM_001256876.3, NM_001256877.3, NM_001354331.2 and 3 more transcripts); c.1712C>A, p.Ser571Tyr (NM_001354333.2, NM_001354335.2, NM_001354336.2 and 10 more transcripts); short protein forms S571Y, S729Y.
Identifiers: ClinVar variation 4743815 (VCV004743815.1).
Genomic context (GRCh38, chr9:712,952, plus strand): 5'-CCCAGACTGTGGAGACGCGGACAGTAGCTGTAGGAGAAGGCCGTGTCAAGGACATCAACT[C>A]CTCCACCAAGACGCGGTCCATTGGTGTTGGAACGTTGCTTTCTGGCCATTCTGGGTTTGA-3'
Protein context (NP_055973.2, residues 719-739): VGEGRVKDIN[Ser729Tyr]STKTRSIGVG

ClinVar aggregate classification (germline): Uncertain significance (1 of 4 stars; one submission).

Submission:

Labcorp Genetics (formerly Invitae), Labcorp
Classification: Uncertain significance. Last evaluated: 2025-07-08. Review status: criteria provided, single submitter. Criteria: Invitae Variant Classification Sherloc (09022015). Collection method: clinical testing. Allele origin: germline.
Comment: This sequence change replaces serine, which is neutral and polar, with tyrosine, which is neutral and polar, at codon 729 of the KANK1 protein (p.Ser729Tyr). This variant is not present in population databases (gnomAD no frequency). This variant has not been reported in the literature in individuals affected with KANK1-related conditions. Invitae Evidence Modeling of protein sequence and biophysical properties (such as structural, functional, and spatial information, amino acid conservation, physicochemical variation, residue mobility, and thermodynamic stability) indicates that this missense variant is not expected to disrupt KANK1 protein function with a negative predictive value of 80%. In summary, the available evidence is currently insufficient to determine the role of this variant in disease. Therefore, it has been classified as a Variant of Uncertain Significance.